The following is an entry in ClinVar:

ClinVar aggregate classification (germline): Uncertain significance (0 of 4 stars; one submission).

Submission:

Greenwood Genetic Center Diagnostic Laboratories, Greenwood Genetic Center
Classification: Uncertain significance. Last evaluated: 2021-06-02. Review status: no assertion criteria provided. Collection method: clinical testing. Allele origin: germline. Affected: yes.
Comment: Gene of uncertain significance

NM_001144774.3(ELAVL4):c.540T>G (p.Phe180Leu)

Gene: ELAVL4 (ELAV like RNA binding protein 4; plus strand). Cytogenetic location: 1p33.
Variant type: single nucleotide variant.
Coding change: c.540T>G on transcript NM_001144774.3 (MANE Select); coding-DNA position 540, T replaced by G.
Protein change: p.Phe180Leu; replaces phenylalanine 180 with leucine.
Molecular consequence: missense variant.
Genome position (GRCh38, 1-based): chr1:50,195,592, T>G. VCF-style: chr1-50195592-T-G. GRCh37 (hg19) VCF-style: chr1-50661264-T-G.
Other names: c.537T>G, p.Phe179Leu (NM_001324214.2, NM_001324209.2, NM_001324212.2); c.555T>G, p.Phe185Leu (NM_001324215.2, NM_001294348.2, NM_001324213.2); c.540T>G, p.Phe180Leu (NM_021952.5, NM_001144776.3); c.648T>G, p.Phe216Leu (NM_001144775.3); c.549T>G, p.Phe183Leu (NM_001144777.3, NM_001324208.2); short protein forms F179L, F180L, F183L, F185L, F216L.
Identifiers: ClinVar variation 1334514 (VCV001334514.4), dbSNP rs2148885667, ClinGen allele CA340299726.